The following is an entry in ClinVar:

ClinVar aggregate classification (germline): Likely benign. Review status: criteria provided, multiple submitters, no conflicts (2 of 4 stars). 5 submissions from 5 submitters: Likely benign (5). Last evaluated 2026-01-25.

Conditions:
CNGB1-related disorder. Also called: CNGB1-related condition.

Allele frequency attached by ClinVar (database versions not stated): TOPMed below 0.00001; gnomAD 0.00001; gnomAD exomes 0.00004 and 0.00011; 1000 Genomes Project 30x 0.00016; 1000 Genomes Project 0.00020; ExAC 0.00034.
gnomAD v4.1: 59 of 1,575,108 alleles (0.0037%); highest among the groups gnomAD compares: South Asian, 0.055%; 2 homozygotes.

Submissions (5):

Labcorp Genetics (formerly Invitae), Labcorp
Classification: Likely benign. Last evaluated: 2026-01-25. Review status: criteria provided, single submitter. Criteria: Invitae Variant Classification Sherloc (09022015). Collection method: clinical testing. Allele origin: germline.

PreventionGenetics, part of Exact Sciences
Classification: Likely benign for CNGB1-related condition. Last evaluated: 2025-09-05. Review status: criteria provided, single submitter. Criteria: ACMG Guidelines, 2015. Collection method: clinical testing. Allele origin: germline.
Comment: This variant is classified as likely benign based on ACMG/AMP sequence variant interpretation guidelines (Richards et al. 2015 PMID: 25741868, with internal and published modifications).

CeGaT Center for Human Genetics Tuebingen
Classification: Likely benign. Last evaluated: 2025-04-01. Review status: criteria provided, single submitter. Criteria: CeGaT Center For Human Genetics Tuebingen Variant Classification Criteria Version 2. Collection method: clinical testing. Allele origin: germline. Affected: yes. Observed: 1 variant allele.
Comment: CNGB1: BP4, BP7

Blueprint Genetics
Classification: Likely benign. Last evaluated: 2024-05-27. Review status: criteria provided, single submitter. Criteria: ACMG Guidelines, 2015. Collection method: clinical testing. Allele origin: germline.

Breakthrough Genomics
Classification: Likely benign. Review status: criteria provided, single submitter. Criteria: ACMG Guidelines, 2015. Collection method: not provided. Allele origin: germline. Inheritance: Autosomal recessive inheritance. Affected: yes.

NM_001297.5(CNGB1):c.1185C>T (p.Thr395=)

Gene: CNGB1 (cyclic nucleotide gated channel subunit beta 1; minus strand). Cytogenetic location: 16q21.
Variant type: single nucleotide variant.
Coding change: c.1185C>T on transcript NM_001297.5 (MANE Select); coding-DNA position 1185, C replaced by T.
Protein change: p.Thr395=; no amino-acid change (threonine 395 retained).
Molecular consequence: synonymous variant.
Genome position (GRCh38, 1-based): chr16:57,940,258, G>A on the plus strand (C>T on the coding strand, the complement: CNGB1 is on the minus strand). VCF-style: chr16-57940258-G-A. GRCh37 (hg19) VCF-style: chr16-57974162-G-A.
Other names: c.1185C>T (NM_001297.4); c.1167C>T, p.Thr389= (NM_001286130.2).
Identifiers: ClinVar variation 1666063 (VCV001666063.18), dbSNP rs543195555, ClinGen allele CA8083516.